The following is an entry in ClinVar:

NM_000267.3:c.4773-8537_*3520del

Gene: NF1 (neurofibromin 1; plus strand).
Variant type: Deletion.
Identifiers: ClinVar variation 5038389 (VCV005038389.1).

ClinVar aggregate classification (germline): Pathogenic (1 of 4 stars; one submission).

Conditions:
Neurofibromatosis, type 1 (NF1). Also called: NEUROFIBROMATOSIS, TYPE I, SOMATIC; Peripheral type neurofibromatosis; Neurofibromatosis, type I; VON RECKLINGHAUSEN DISEASE. Identifiers: Orphanet 636, MedGen C0027831, MONDO:0018975, OMIM 162200. Disease mechanism: loss of function.

Submission:

St. Jude Molecular Pathology, St. Jude Children's Research Hospital
Classification: Pathogenic for Neurofibromatosis, type 1. Last evaluated: 2026-10-01. Review status: criteria provided, single submitter. Criteria: St. Jude Assertion Criteria 2020. Collection method: clinical testing. Allele origin: germline.
Comment: The NF1 c.4773-8537_*3520del (NM_000267.4) variant is a large deletion of the genomic region encompassing exons 36-57 of the NF1 gene. The 5' end is likely confined to intron 35. The 3' end of this event is located downstream of NF1 and includes a portion of its neighboring gene RAB11FIP4. This NF1 deletion is expected to result in an absent or disrupted protein product. NF1 deletions containing these exons have been reported in individuals with clinical features associated with neurofibromatosis type 1 (PMID: 26189818, 30290804, 31776437, 40169570). Loss-of-function variants in NF1 are known to be pathogenic (PMID: 9003501, 10712197, 20027112). In summary, this variant meets criteria to be classified a s pathogenic.